The following is an entry in ClinVar:

ClinVar aggregate classification (germline): Uncertain significance. Review status: criteria provided, multiple submitters, no conflicts (2 of 4 stars). 3 submissions from 3 submitters: Uncertain significance (3). Last evaluated 2026-07-03.

Conditions:
Inborn genetic diseases. Identifiers: MedGen C0950123, MeSH D030342.
Hypophosphatemic rickets, X-linked recessive (XLHRR). Identifiers: Orphanet 1652, Orphanet 93622, MedGen C1845168, MONDO:0010358, OMIM 300554.
Proteinuria, low molecular weight, with hypercalciuria and nephrocalcinosis. Identifiers: Orphanet 1652, Orphanet 93622, MedGen C1839874, MONDO:0010644, OMIM 308990.
Dent disease type 1 (DENT1). Also called: NEPHROLITHIASIS 2; NEPHROLITHIASIS, HYPERCALCIURIC, X-LINKED. Identifiers: Orphanet 1652, Orphanet 93622, MedGen C1848336, MONDO:0010225, OMIM 300009.
X-linked recessive nephrolithiasis with renal failure (XRN). Also called: NEPHROLITHIASIS 1; NEPHROLITHIASIS, X-LINKED RECESSIVE, TYPE 1; UROLITHIASIS, X-LINKED RECESSIVE, TYPE 1. Identifiers: Orphanet 1652, Orphanet 93622, MedGen C0403720, MONDO:0010687, OMIM 310468.

Allele frequency attached by ClinVar (database versions not stated): gnomAD exomes below 0.00001; gnomAD 0.00002 and 0.00001; TOPMed 0.00002.
gnomAD v4.1: 3 of 1,204,932 alleles (0.00025%); highest among the groups gnomAD compares: African/African-American, 0.0018%; no homozygotes.

Submissions (3):

Ambry Genetics
Classification: Uncertain significance for Inborn genetic diseases. Last evaluated: 2026-07-03. Review status: criteria provided, single submitter. Criteria: Ambry Variant Classification Scheme 2023. Collection method: clinical testing. Allele origin: germline.

Fulgent Genetics
Classification: Uncertain significance for Dent disease type 1; Hypophosphatemic rickets, X-linked recessive; Proteinuria, low molecular weight, with hypercalciuria and nephrocalcinosis; X-linked recessive nephrolithiasis with renal failure. Last evaluated: 2022-03-10. Review status: criteria provided, single submitter. Criteria: ACMG Guidelines, 2015. Collection method: clinical testing. Allele origin: unknown.

Institute of Human Genetics, University of Leipzig Medical Center
Classification: Uncertain significance for Dent disease type 1. Last evaluated: 2019-06-06. Review status: criteria provided, single submitter. Criteria: ACMG Guidelines, 2015. Collection method: clinical testing. Allele origin: germline. Affected: yes. Observed: 1 variant allele.
Comment: This variant was identified as hemizygous

NM_001127898.4(CLCN5):c.2342G>C (p.Cys781Ser)

Genes: CLCN5 (Cl-/H+ antiporter 5; plus strand), LOC126863258 (BRD4-independent group 4 enhancer GRCh37_chrX:49854497-49855696; plus strand). Cytogenetic location: Xp11.23.
Variant type: single nucleotide variant.
Coding change: c.2342G>C on transcript NM_001127898.4 (MANE Select); coding-DNA position 2342, G replaced by C.
Protein change: p.Cys781Ser; replaces cysteine 781 with serine.
Molecular consequence: missense variant.
Genome position (GRCh38, 1-based): chrX:50,090,868, G>C. VCF-style: chrX-50090868-G-C. GRCh37 (hg19) VCF-style: chrX-49855525-G-C.
Other names: c.2132G>C, p.Cys711Ser (NM_000084.5); c.2342G>C, p.Cys781Ser (NM_001127899.4); c.2192G>C, p.Cys731Ser (NM_001282163.2); c.2132G>C (NM_000084.2); short protein forms C711S, C731S, C781S.
Identifiers: ClinVar variation 976286 (VCV000976286.3), dbSNP rs946613180, ClinGen allele CA329782615.